The following is an entry in ClinVar:

NM_020822.3(KCNT1):c.1510+163T>C

Gene: KCNT1 (potassium sodium-activated channel subfamily T member 1; plus strand). Cytogenetic location: 9q34.3.
Variant type: single nucleotide variant.
Coding change: c.1510+163T>C on transcript NM_020822.3 (MANE Select); 163 bases into the intron after coding-DNA position 1510, T replaced by C.
Molecular consequence: intron variant.
Genome position (GRCh38, 1-based): chr9:135,769,100, T>C. VCF-style: chr9-135769100-T-C. GRCh37 (hg19) VCF-style: chr9-138660946-T-C.
Other names: c.1375+163T>C (NM_001272003.2).
Identifiers: ClinVar variation 682132 (VCV000682132.2), dbSNP rs11103180, ClinGen allele CA201472162.

ClinVar aggregate classification (germline): Benign. Review status: criteria provided, multiple submitters, no conflicts (2 of 4 stars). 2 submissions from 2 submitters: Benign (2). Last evaluated 2018-06-14.

Allele frequency attached by ClinVar (database versions not stated): gnomAD 0.05936 and 0.07892; 1000 Genomes Project 0.17851.
gnomAD v4.1: 4,244 of 53,570 alleles (7.9%); highest among the groups gnomAD compares: Middle Eastern, 11%; 241 homozygotes.

Submissions (2):

GeneDx
Classification: Benign. Last evaluated: 2018-06-14. Review status: criteria provided, single submitter. Criteria: GeneDx Variant Classification (06012015). Collection method: clinical testing. Allele origin: germline. Affected: yes.
Comment: This variant is considered likely benign or benign based on one or more of the following criteria: it is a conservative change, it occurs at a poorly conserved position in the protein, it is predicted to be benign by multiple in silico algorithms, and/or has population frequency not consistent with disease.

Breakthrough Genomics
Classification: Benign. Review status: criteria provided, single submitter. Criteria: ACMG Guidelines, 2015. Collection method: not provided. Allele origin: germline. Inheritance: Autosomal dominant inheritance. Affected: yes.